The following is an entry in ClinVar:

NM_000426.4(LAMA2):c.7479C>T (p.Ser2493=)

Gene: LAMA2 (laminin subunit alpha 2; plus strand). Cytogenetic location: 6q22.33.
Variant type: single nucleotide variant.
Coding change: c.7479C>T on transcript NM_000426.4 (MANE Select); coding-DNA position 7479, C replaced by T.
Protein change: p.Ser2493=; no amino-acid change (serine 2493 retained).
Molecular consequence: synonymous variant.
Genome position (GRCh38, 1-based): chr6:129,478,720, C>T. VCF-style: chr6-129478720-C-T. GRCh37 (hg19) VCF-style: chr6-129799865-C-T.
Other names: c.7467C>T, p.Ser2489= (NM_001079823.2).
Identifiers: ClinVar variation 355297 (VCV000355297.15), dbSNP rs368989339, ClinGen allele CA3994583.

ClinVar aggregate classification (germline): Conflicting classifications of pathogenicity. Review status: criteria provided, conflicting classifications (1 of 4 stars). 4 submissions from 4 submitters: Uncertain significance (1); Likely benign (2). 1 of the submissions does not count toward it. Last evaluated 2025-02-16.

Conditions:
LAMA2-related muscular dystrophy (LAMA2-RD). Also called: Laminin alpha 2-related dystrophy. Identifiers: MedGen C5679788, MONDO:0100228.
Congenital muscular dystrophy due to partial LAMA2 deficiency. Identifiers: MedGen C1842898.
LAMA2-related disorder. Also called: LAMA2-related disorders; LAMA2-related condition.

Allele frequency attached by ClinVar (database versions not stated): gnomAD 0.00001 and 0.00003; ExAC 0.00002; gnomAD exomes 0.00003 and 0.00004; TOPMed 0.00003; ESP Exome Variant Server 0.00008.
gnomAD v4.1: 47 of 1,613,068 alleles (0.0029%); highest among the groups gnomAD compares: Admixed American, 0.012%; no homozygotes.

Submissions (4):

Labcorp Genetics (formerly Invitae), Labcorp
Classification: Likely benign for LAMA2-related muscular dystrophy. Last evaluated: 2025-02-16. Review status: criteria provided, single submitter. Criteria: Invitae Variant Classification Sherloc (09022015). Collection method: clinical testing. Allele origin: germline.

Illumina Laboratory Services, Illumina
Classification: Uncertain significance for Congenital muscular dystrophy due to partial LAMA2 deficiency. Last evaluated: 2018-01-13. Review status: criteria provided, single submitter. Criteria: ICSL Variant Classification Criteria 13 December 2019. Collection method: clinical testing. Allele origin: germline.

GeneDx
Classification: Likely benign. Last evaluated: 2017-03-20. Review status: criteria provided, single submitter. Criteria: GeneDx Variant Classification (06012015). Collection method: clinical testing. Allele origin: germline. Affected: yes.
Comment: This variant is considered likely benign or benign based on one or more of the following criteria: it is a conservative change, it occurs at a poorly conserved position in the protein, it is predicted to be benign by multiple in silico algorithms, and/or has population frequency not consistent with disease.

PreventionGenetics, part of Exact Sciences
Classification: Likely benign for LAMA2-related condition. Last evaluated: 2019-10-21. Review status: no assertion criteria provided. Collection method: clinical testing. Allele origin: germline. Not counted in ClinVar's aggregate classification.
Comment: This variant is classified as likely benign based on ACMG/AMP sequence variant interpretation guidelines (Richards et al. 2015 PMID: 25741868, with internal and published modifications).